The following is an entry in ClinVar:

ClinVar aggregate classification (germline): Uncertain significance (1 of 4 stars; one submission).

Allele frequency attached by ClinVar (database versions not stated): TOPMed 0.00001.
gnomAD v4.1: 8 of 1,331,090 alleles (0.0006%); highest among the groups gnomAD compares: South Asian, 0.0047%; no homozygotes.

Submission:

Labcorp Genetics (formerly Invitae), Labcorp
Classification: Uncertain significance. Last evaluated: 2023-10-30. Review status: criteria provided, single submitter. Criteria: Invitae Variant Classification Sherloc (09022015). Collection method: clinical testing. Allele origin: germline.
Comment: This sequence change replaces glutamic acid, which is acidic and polar, with lysine, which is basic and polar, at codon 58 of the HMX1 protein (p.Glu58Lys). The frequency data for this variant in the population databases is considered unreliable, as metrics indicate poor data quality at this position in the gnomAD database. This variant has not been reported in the literature in individuals affected with HMX1-related conditions. ClinVar contains an entry for this variant (Variation ID: 1402182). Experimental studies and prediction algorithms are not available or were not evaluated, and the functional significance of this variant is currently unknown. In summary, the available evidence is currently insufficient to determine the role of this variant in disease. Therefore, it has been classified as a Variant of Uncertain Significance.

NM_018942.3(HMX1):c.172G>A (p.Glu58Lys)

Gene: HMX1 (H6 family homeobox 1; minus strand). Cytogenetic location: 4p16.1.
Variant type: single nucleotide variant.
Coding change: c.172G>A on transcript NM_018942.3 (MANE Select); coding-DNA position 172, G replaced by A.
Protein change: p.Glu58Lys; replaces glutamic acid 58 with lysine.
Molecular consequence: missense variant.
Genome position (GRCh38, 1-based): chr4:8,871,443, C>T on the plus strand (G>A on the coding strand, the complement: HMX1 is on the minus strand). VCF-style: chr4-8871443-C-T. GRCh37 (hg19) VCF-style: chr4-8873169-C-T.
Other names: c.172G>A, p.Glu58Lys (NM_001306142.2); short protein forms E58K.
Identifiers: ClinVar variation 1402182 (VCV001402182.8), dbSNP rs1369036777, ClinGen allele CA356279185.
Genomic context (GRCh38, chr4:8,871,443, plus strand): 5'-CGGGCCCGGTGCCCGCGAGCAACTGTCGCCGCCGCTGTAGCCGTCGCCGCCGCGCCTGCT[C>T]GGCGTCCTCGTCTTCGGGGTCGTCGTCGTCCTCCTCCTCGTCCTCCCGGCTGCCGTCGCC-3'
Protein context (NP_061815.2, residues 48-68): DDDDPEDEDA[Glu58Lys]QARRRRLQRR